The following is an entry in ClinVar:

NM_000338.3(SLC12A1):c.3104_3105delinsAA (p.Arg1035Gln)

Gene: SLC12A1 (solute carrier family 12 member 1; plus strand). Cytogenetic location: 15q21.1.
Variant type: Indel.
Coding change: c.3104_3105delinsAA on transcript NM_000338.3 (MANE Select); coding-DNA positions 3104 to 3105, GC replaced by AA.
Protein change: p.Arg1035Gln; replaces arginine 1035 with glutamine.
Molecular consequence: missense variant.
Genome position (GRCh38, 1-based): chr15:48,301,322-48,301,323, GC replaced by AA. VCF-style: chr15-48301322-GC-AA. GRCh37 (hg19) VCF-style: chr15-48593519-GC-AA.
Other names: c.3104_3105delinsAA, p.Arg1035Gln (NM_001184832.2, NM_001384136.1); short protein forms R1035Q.
Identifiers: ClinVar variation 2779254 (VCV002779254.3), dbSNP rs2505225518, ClinGen allele CA2739269439.
Genomic context (GRCh38, chr15:48,301,322, plus strand): 5'-TCATTCATAATTCTGGTAGAACTGTACTCAACAAATCTGAATGTTGCCCACAGAGTTACC[GC>AA]CAAGTTCGACTGAATGAACTCTTACAGGAGCACTCCAGAGCTGCTAATCTCATTGTCCTG-3'
Protein context (NP_000329.2, residues 1025-1045): ELEAVKEKSY[Arg1035Gln]QVRLNELLQE

ClinVar aggregate classification (germline): Uncertain significance (1 of 4 stars; one submission).

Submission:

Labcorp Genetics (formerly Invitae), Labcorp
Classification: Uncertain significance. Last evaluated: 2022-10-30. Review status: criteria provided, single submitter. Criteria: Invitae Variant Classification Sherloc (09022015). Collection method: clinical testing. Allele origin: germline.
Comment: This sequence change replaces arginine, which is basic and polar, with glutamine, which is neutral and polar, at codon 1035 of the SLC12A1 protein (p.Arg1035Gln). Information on the frequency of this variant in the gnomAD database is not available, as this variant may be reported differently in the database. This variant has not been reported in the literature in individuals affected with SLC12A1-related conditions. Algorithms developed to predict the effect of missense changes on protein structure and function are either unavailable or do not agree on the potential impact of this missense change (SIFT: "Not Available"; PolyPhen-2: "Benign"; Align-GVGD: "Not Available"). In summary, the available evidence is currently insufficient to determine the role of this variant in disease. Therefore, it has been classified as a Variant of Uncertain Significance.